The following is an entry in ClinVar:

ClinVar aggregate classification (germline): Uncertain significance (1 of 4 stars; one submission).

Conditions:
Primary ciliary dyskinesia 19. Also called: CILIARY DYSKINESIA, PRIMARY, 19, WITH OR WITHOUT SITUS INVERSUS. Identifiers: Orphanet 244, MedGen C3543826, MONDO:0013979, OMIM 614935.

gnomAD v4.1: 2 of 1,614,000 alleles (0.00012%); highest among the groups gnomAD compares: Admixed American, 0.0017%; no homozygotes.

Submission:

Labcorp Genetics (formerly Invitae), Labcorp
Classification: Uncertain significance for Primary ciliary dyskinesia 19. Last evaluated: 2025-09-06. Review status: criteria provided, single submitter. Criteria: Invitae Variant Classification Sherloc (09022015). Collection method: clinical testing. Allele origin: germline.
Comment: This sequence change replaces proline, which is neutral and non-polar, with serine, which is neutral and polar, at codon 443 of the LRRC6 protein (p.Pro443Ser). This variant is present in population databases (rs141486356, gnomAD 0.002%). This variant has not been reported in the literature in individuals affected with LRRC6-related conditions. Invitae Evidence Modeling of protein sequence and biophysical properties (such as structural, functional, and spatial information, amino acid conservation, physicochemical variation, residue mobility, and thermodynamic stability) indicates that this missense variant is not expected to disrupt LRRC6 protein function with a negative predictive value of 80%. In summary, the available evidence is currently insufficient to determine the role of this variant in disease. Therefore, it has been classified as a Variant of Uncertain Significance.

NM_012472.6(DNAAF11):c.1327C>T (p.Pro443Ser)

Gene: DNAAF11 (dynein axonemal assembly factor 11; minus strand). Cytogenetic location: 8q24.22.
Variant type: single nucleotide variant.
Coding change: c.1327C>T on transcript NM_012472.6 (MANE Select); coding-DNA position 1327, C replaced by T.
Protein change: p.Pro443Ser; replaces proline 443 with serine.
Molecular consequence: missense variant. On other transcripts: non-coding transcript variant (10).
Genome position (GRCh38, 1-based): chr8:132,572,380, G>A on the plus strand (C>T on the coding strand, the complement: DNAAF11 is on the minus strand). VCF-style: chr8-132572380-G-A. GRCh37 (hg19) VCF-style: chr8-133584628-G-A.
Other names: c.1267C>T, p.Pro423Ser (NM_001321961.2); c.1081C>T, p.Pro361Ser (NM_001321962.2); c.967C>T, p.Pro323Ser (NM_001321963.2, NM_001321964.2, NM_001321965.2); c.907C>T, p.Pro303Ser (NM_001321966.2); short protein forms P323S, P361S, P423S, P303S, P443S.
Identifiers: ClinVar variation 4701396 (VCV004701396.1).
Genomic context (GRCh38, chr8:132,572,380, plus strand): 5'-GCACTTCAGGGTTGTCTTCAAAGGTTGGGTCTTCCTCACTTGGTATAATTTTGGGTTCAG[G>A]TCGTCTTCTGGGTGTGTGTTTTTTCTCTTGAACTATGTTAGTCACATCAGGGAATGAGTG-3'
Protein context (NP_036604.2, residues 433-453): QEKKHTPRRR[Pro443Ser]EPKIIPSEED